The following is an entry in ClinVar:

NM_001378615.1(CC2D2A):c.123+435C>T

Genes: CC2D2A (coiled-coil and C2 domain containing 2A; plus strand), FBXL5 (F-box and leucine rich repeat protein 5; minus strand). Cytogenetic location: 4p15.32.
Variant type: single nucleotide variant.
Coding change: c.123+435C>T on transcript NM_001378615.1 (MANE Select); 435 bases into the intron after coding-DNA position 123, C replaced by T.
Molecular consequence: intron variant. On other transcripts: 5 prime UTR variant (1), nonsense (1).
Genome position (GRCh38, 1-based): chr4:15,479,241, C>T. VCF-style: chr4-15479241-C-T. GRCh37 (hg19) VCF-style: chr4-15480865-C-T.
Other names: c.-112C>T (NM_001378617.1); c.142C>T, p.Arg48Ter (NM_020785.2); c.123+435C>T (NM_001080522.2, NM_001164720.3); short protein forms R48*.
Identifiers: ClinVar variation 3344033 (VCV003344033.1).

ClinVar aggregate classification (germline): Uncertain significance (0 of 4 stars; one submission).

Conditions:
CC2D2A-related disorder. Also called: CC2D2A-related disorders; CC2D2A-related condition. Identifiers: MedGen CN239313.

Submission:

PreventionGenetics, part of Exact Sciences
Classification: Uncertain significance for CC2D2A-related condition. Last evaluated: 2024-05-23. Review status: no assertion criteria provided. Collection method: clinical testing. Allele origin: germline.
Comment: The CC2D2A c.142C>T variant is predicted to result in premature protein termination (p.Arg48*). This variant is located in an alternate transcript, and in the canonical transcript (NM_001080522.2) the variant is intronic (c.123+435C>T). To our knowledge, this variant has not been reported in the literature. This variant is reported in 0.0027% of alleles in individuals of European (Non-Finnish) descent in gnomAD. At this time, the clinical significance of this variant is uncertain due to the absence of conclusive functional and genetic evidence.